The following is an entry in ClinVar:

NM_174878.3(CLRN1):c.434-291T>A

Gene: CLRN1 (clarin 1; minus strand). Cytogenetic location: 3q25.1.
Variant type: single nucleotide variant.
Coding change: c.434-291T>A on transcript NM_174878.3 (MANE Select); 291 bases into the intron before coding-DNA position 434, T replaced by A.
Molecular consequence: intron variant.
Genome position (GRCh38, 1-based): chr3:150,928,492, A>T on the plus strand (T>A on the coding strand, the complement: CLRN1 is on the minus strand). VCF-style: chr3-150928492-A-T. GRCh37 (hg19) VCF-style: chr3-150646279-A-T.
Other names: c.206-291T>A (NM_052995.2); c.473-291T>A (NM_001195794.1); c.48-291T>A (NM_001256819.2).
Identifiers: ClinVar variation 672425 (VCV000672425.1), dbSNP rs76208534, ClinGen allele CA85681176.
Genomic context (GRCh38, chr3:150,928,492, plus strand): 5'-AGTGCAGTGGGAGGTAAGGAGGTGGTTAGAATTAAGCTGATCTTACAAAGACTGGGAGAT[A>T]TTCCTCTTTGCATGATGTGAAGGCTGAATTGCTAGGCACTTTAAAGGCATAATGGTGGAA-3'

ClinVar aggregate classification (germline): Benign (1 of 4 stars; one submission).

Allele frequency attached by ClinVar (database versions not stated): TOPMed 0.06183; gnomAD 0.06304 and 0.06472; 1000 Genomes Project 30x 0.07261; 1000 Genomes Project 0.07528.
gnomAD v4.1: 9,898 of 152,272 alleles (6.5%); highest among the groups gnomAD compares: East Asian, 13%; 374 homozygotes.

Submission:

GeneDx
Classification: Benign. Last evaluated: 2018-06-14. Review status: criteria provided, single submitter. Criteria: GeneDx Variant Classification (06012015). Collection method: clinical testing. Allele origin: germline. Affected: yes.
Comment: This variant is considered likely benign or benign based on one or more of the following criteria: it is a conservative change, it occurs at a poorly conserved position in the protein, it is predicted to be benign by multiple in silico algorithms, and/or has population frequency not consistent with disease.